The following is an entry in ClinVar:

ClinVar aggregate classification (germline): Pathogenic (1 of 4 stars; one submission).

Conditions:
Osteogenesis imperfecta type I (OI1). Also called: OI, TYPE I; OSTEOGENESIS IMPERFECTA TARDA; OSTEOGENESIS IMPERFECTA WITH BLUE SCLERAE; Osteogenesis imperfecta type 1; Lobstein's Disease; Lobstein disease. Identifiers: Orphanet 216796, Orphanet 666, MedGen C0023931, MONDO:0008146, OMIM 166200. Disease mechanism: loss of function.

Submission:

Labcorp Genetics (formerly Invitae), Labcorp
Classification: Pathogenic for Osteogenesis imperfecta type I. Last evaluated: 2024-06-09. Review status: criteria provided, single submitter. Criteria: Invitae Variant Classification Sherloc (09022015). Collection method: clinical testing. Allele origin: germline.
Comment: This sequence change affects an acceptor splice site in intron 7 of the COL1A1 gene. It is expected to disrupt RNA splicing. Variants that disrupt the donor or acceptor splice site typically lead to a loss of protein function (PMID: 16199547), and loss-of-function variants in COL1A1 are known to be pathogenic (PMID: 7942841, 9295084, 9443882). This variant is not present in population databases (gnomAD no frequency). Disruption of this splice site has been observed in individual(s) with osteogenesis imperfecta type I (PMID: 25963598). Algorithms developed to predict the effect of sequence changes on RNA splicing suggest that this variant may disrupt the consensus splice site. For these reasons, this variant has been classified as Pathogenic.

Literature cited by the submitters: PubMed 16199547; PubMed 7942841; PubMed 9295084; PubMed 9443882; PubMed 25963598.

NM_000088.4(COL1A1):c.589-1G>A

Gene: COL1A1 (collagen type I alpha 1 chain; minus strand). Cytogenetic location: 17q21.33.
Variant type: single nucleotide variant.
Coding change: c.589-1G>A on transcript NM_000088.4 (MANE Select); the canonical splice acceptor site of the intron before coding-DNA position 589, G replaced by A.
Molecular consequence: splice acceptor variant.
Genome position (GRCh38, 1-based): chr17:50,198,003, C>T on the plus strand (G>A on the coding strand, the complement: COL1A1 is on the minus strand). VCF-style: chr17-50198003-C-T. GRCh37 (hg19) VCF-style: chr17-48275364-C-T.
Identifiers: ClinVar variation 3722890 (VCV003722890.2).